The following is an entry in ClinVar:

ClinVar aggregate classification (germline): Pathogenic (1 of 4 stars; one submission).

Conditions:
Epidermolysis bullosa simplex 5C, with pyloric atresia (EBS5C). Also called: PLEC-Related Epidermolysis Bullosa with Pyloric Atresia; Epidermolysis bullosa simplex with pyloric atresia; PLEC1-Related Epidermolysis Bullosa with Pyloric Atresia. Identifiers: Orphanet 158684, MedGen C2677349, MONDO:0012807, OMIM 612138.
Autosomal recessive limb-girdle muscular dystrophy type 2Q (LGMDR17). Also called: MUSCULAR DYSTROPHY, LIMB-GIRDLE, AUTOSOMAL RECESSIVE 17. Identifiers: Orphanet 254361, MedGen C3150989, MONDO:0013390, OMIM 613723.
Epidermolysis bullosa simplex, Ogna type (EBS5A). Also called: Pidermolysis bullosa simplex 5A, Ogna type; EPIDERMOLYSIS BULLOSA SIMPLEX 5A, OGNA TYPE. Identifiers: Orphanet 79401, MedGen C0432317, MONDO:0007555, OMIM 131950.
Epidermolysis bullosa simplex 5B, with muscular dystrophy (EBS5B). Also called: Epidermolysis bullosa simplex with muscular dystrophy; EPIDERMOLYSIS BULLOSA SIMPLEX AND LIMB-GIRDLE MUSCULAR DYSTROPHY. Identifiers: Orphanet 257, MedGen C2931072, MONDO:0009181, OMIM 226670.
Epidermolysis bullosa simplex with nail dystrophy (EBS5D). Identifiers: MedGen C4225309, MONDO:0014661, OMIM 616487.

Submission:

Labcorp Genetics (formerly Invitae), Labcorp
Classification: Pathogenic for Autosomal recessive limb-girdle muscular dystrophy type 2Q; Epidermolysis bullosa simplex, Ogna type; Epidermolysis bullosa simplex with nail dystrophy; Epidermolysis bullosa simplex 5C, with pyloric atresia; Epidermolysis bullosa simplex 5B, with muscular dystrophy. Last evaluated: 2022-03-19. Review status: criteria provided, single submitter. Criteria: Invitae Variant Classification Sherloc (09022015). Collection method: clinical testing. Allele origin: germline.
Comment: This sequence change creates a premature translational stop signal (p.Val425Alafs*3) in the PLEC gene. It is expected to result in an absent or disrupted protein product. Loss-of-function variants in PLEC are known to be pathogenic (PMID: 20301336, 20447487, 21109228, 23289980, 28824526). This variant is not present in population databases (gnomAD no frequency). For these reasons, this variant has been classified as Pathogenic. This variant has not been reported in the literature in individuals affected with PLEC-related conditions.

Literature cited by the submitters: PubMed 20301336; PubMed 20447487; PubMed 21109228; PubMed 23289980; PubMed 28824526.

NM_201384.3(PLEC):c.1188_1192dup (p.Val398fs)

Gene: PLEC (plectin; minus strand). Cytogenetic location: 8q24.3.
Variant type: Duplication.
Coding change: c.1188_1192dup on transcript NM_201384.3 (MANE Select); coding-DNA positions 1188 to 1192, 5 bases duplicated (CATCG; older notation c.1188_1192dupCATCG).
Protein change: p.Val398fs; shifts the reading frame from valine 398.
Molecular consequence: frameshift variant.
Genome position (GRCh38, 1-based): chr8:143,934,069-143,934,073, CGATG duplicated on the plus strand (CATCG on the coding strand, the reverse complement: PLEC is on the minus strand); duplicating any 5 consecutive bases within chr8:143,934,069-143,934,075 gives the same sequence; the c. name uses the placement nearest the transcript's 3' end. VCF-style (leftmost placement, unchanged base first): chr8-143934068-A-ACGATG. GRCh37 (hg19) VCF-style: chr8-145008236-A-ACGATG.
Other names: c.1269_1273dup, p.Val425fs (NM_000445.5); c.1267_1271dup, p.Val425Alafs (NM_001410941.1); c.1146_1150dup, p.Val384fs (NM_201378.4); c.1122_1126dup, p.Val376fs (NM_201379.3); c.1599_1603dup, p.Val535fs (NM_201380.4); c.1092_1096dup, p.Val366fs (NM_201381.3); c.1188_1192dup, p.Val398fs (NM_201382.4); c.1200_1204dup, p.Val402fs (NM_201383.3); short protein forms V425fs, V384fs, V398fs, V535fs, V366fs, V376fs, V402fs.
Identifiers: ClinVar variation 2108816 (VCV002108816.4), dbSNP rs2538953353, ClinGen allele CA2580078638.
Genomic context (GRCh38, chr8:143,934,068, plus strand): 5'-AGGGCGTCGGCCTGGTTCAGCTGCTCCTCACACAGCCCCGCCTCCATCTGCAGCTTGGTC[A>ACGATG]CGATGCGCTGAAGACACTCCAGCCTGCAGCAGCAGCACAGGGAAGGGGCCGCGTTGGCCG-3'